The following is an entry in ClinVar:

NM_000193.4(SHH):c.332T>C (p.Ile111Thr)

Gene: SHH (sonic hedgehog signaling molecule; minus strand). Cytogenetic location: 7q36.3.
Variant type: single nucleotide variant.
Coding change: c.332T>C on transcript NM_000193.4 (MANE Select); coding-DNA position 332, T replaced by C.
Protein change: p.Ile111Thr; replaces isoleucine 111 with threonine.
Molecular consequence: missense variant. On other transcripts: non-coding transcript variant (2).
Genome position (GRCh38, 1-based): chr7:155,806,526, A>G on the plus strand (T>C on the coding strand, the complement: SHH is on the minus strand). VCF-style: chr7-155806526-A-G. GRCh37 (hg19) VCF-style: chr7-155599220-A-G.
Other names: c.71T>C, p.Ile24Thr (NM_001310462.2); short protein forms I111T, I24T.
Identifiers: ClinVar variation 1480855 (VCV001480855.6), dbSNP rs2117138105, ClinGen allele CA370149387.
Genomic context (GRCh38, chr7:155,806,526, plus strand): 5'-TCTTCGTCCCAGCCCTCGGTCACCCGCAGTTTCACTCCTGGCCACTGGTTCATCACCGAG[A>G]TGGCCAAAGCGTTCAACTTGTCCTTACACCTCTGCGAAGACAAGGGGACCCCCACCGACG-3'
Protein context (NP_000184.1, residues 101-121): RCKDKLNALA[Ile111Thr]SVMNQWPGVK

ClinVar aggregate classification (germline): Uncertain significance (1 of 4 stars; one submission).

Conditions:
Holoprosencephaly 3 (HPE3). Identifiers: Orphanet 2162, MedGen C1840529, MONDO:0007733, OMIM 142945.

Submission:

Labcorp Genetics (formerly Invitae), Labcorp
Classification: Uncertain significance for Holoprosencephaly 3. Last evaluated: 2021-10-11. Review status: criteria provided, single submitter. Criteria: Invitae Variant Classification Sherloc (09022015). Collection method: clinical testing. Allele origin: germline.
Comment: Algorithms developed to predict the effect of missense changes on protein structure and function (SIFT, PolyPhen-2, Align-GVGD) all suggest that this variant is likely to be disruptive. This variant disrupts the p.Ile111 amino acid residue in SHH. Other variant(s) that disrupt this residue have been observed in individuals with SHH-related conditions (PMID: 15942952; Invitae), which suggests that this may be a clinically significant amino acid residue. In summary, the available evidence is currently insufficient to determine the role of this variant in disease. Therefore, it has been classified as a Variant of Uncertain Significance. This sequence change replaces isoleucine with threonine at codon 111 of the SHH protein (p.Ile111Thr). The isoleucine residue is highly conserved and there is a moderate physicochemical difference between isoleucine and threonine. This variant is not present in population databases (ExAC no frequency). This missense change has been observed in individual(s) with holoprosencephaly (Invitae).

Literature cited by the submitters: PubMed 15942952.